The following is an entry in ClinVar:

ClinVar aggregate classification (germline): Benign/Likely benign. Review status: criteria provided, multiple submitters, no conflicts (2 of 4 stars). 6 submissions from 6 submitters: Benign (2); Likely benign (3). 1 of the submissions does not count toward it. Last evaluated 2025-12-08.

Conditions:
Inborn genetic diseases. Identifiers: MedGen C0950123, MeSH D030342.
CHRNA4-related disorder. Also called: CHRNA4-related condition.
Familial sleep-related hypermotor epilepsy. Also called: Autosomal Dominant Sleep-Related Hypermotor (Hyperkinetic) Epilepsy. Identifiers: Orphanet 98784, MedGen C3696898, MONDO:0000030.

Allele frequency attached by ClinVar (database versions not stated): gnomAD 0.00026 and 0.00028; gnomAD exomes 0.00050 and 0.00020; ExAC 0.00067; TOPMed 0.00007.
gnomAD v4.1: 356 of 1,612,350 alleles (0.022%); highest among the groups gnomAD compares: Non-Finnish European, 0.012%; no homozygotes.

Submissions (6):

Labcorp Genetics (formerly Invitae), Labcorp
Classification: Benign. Last evaluated: 2025-12-08. Review status: criteria provided, single submitter. Criteria: Invitae Variant Classification Sherloc (09022015). Collection method: clinical testing. Allele origin: germline.

Blueprint Genetics
Classification: Likely benign. Last evaluated: 2024-08-28. Review status: criteria provided, single submitter. Criteria: ACMG Guidelines, 2015. Collection method: clinical testing. Allele origin: germline.

CeGaT Center for Human Genetics Tuebingen
Classification: Likely benign. Last evaluated: 2022-11-01. Review status: criteria provided, single submitter. Criteria: CeGaT Center For Human Genetics Tuebingen Variant Classification Criteria Version 2. Collection method: clinical testing. Allele origin: germline. Affected: yes. Observed: 1 variant allele.
Comment: CHRNA4: BP4, BP7

Ambry Genetics
Classification: Likely benign for Inborn genetic diseases. Last evaluated: 2018-06-20. Review status: criteria provided, single submitter. Criteria: Ambry Variant Classification Scheme 2023. Collection method: clinical testing. Allele origin: germline.

GeneDx
Classification: Benign. Last evaluated: 2015-05-04. Review status: criteria provided, single submitter. Criteria: GeneDx Variant Classification (06012015). Collection method: clinical testing. Allele origin: germline. Affected: yes.
Comment: This variant is considered likely benign or benign based on one or more of the following criteria: it is a conservative change, it occurs at a poorly conserved position in the protein, it is predicted to be benign by multiple in silico algorithms, and/or has population frequency not consistent with disease.

PreventionGenetics, part of Exact Sciences
Classification: Likely benign for CHRNA4-related condition. Last evaluated: 2019-08-20. Review status: no assertion criteria provided. Collection method: clinical testing. Allele origin: germline. Not counted in ClinVar's aggregate classification.
Comment: This variant is classified as likely benign based on ACMG/AMP sequence variant interpretation guidelines (Richards et al. 2015 PMID: 25741868, with internal and published modifications).

NM_000744.7(CHRNA4):c.1665C>T (p.Pro555=)

Gene: CHRNA4 (cholinergic receptor nicotinic alpha 4 subunit; minus strand). Cytogenetic location: 20q13.33.
Variant type: single nucleotide variant.
Coding change: c.1665C>T on transcript NM_000744.7 (MANE Select); coding-DNA position 1665, C replaced by T.
Protein change: p.Pro555=; no amino-acid change (proline 555 retained).
Molecular consequence: synonymous variant. On other transcripts: non-coding transcript variant (1).
Genome position (GRCh38, 1-based): chr20:63,349,746, G>A on the plus strand (C>T on the coding strand, the complement: CHRNA4 is on the minus strand). VCF-style: chr20-63349746-G-A. GRCh37 (hg19) VCF-style: chr20-61981098-G-A.
Other names: c.1137C>T, p.Pro379= (NM_001256573.2).
Identifiers: ClinVar variation 377678 (VCV000377678.39), dbSNP rs199829902, ClinGen allele CA9957557.